The following is an entry in ClinVar:

ClinVar aggregate classification (germline): Likely benign. Review status: criteria provided, multiple submitters, no conflicts (2 of 4 stars). 3 submissions from 3 submitters: Likely benign (2). 1 of the submissions does not count toward it. Last evaluated 2026-02-02.

Conditions:
Propionic acidemia (PROP). Also called: GLYCINEMIA, KETOTIC; HYPERGLYCINEMIA WITH KETOACIDOSIS AND LEUKOPENIA; KETOTIC HYPERGLYCINEMIA. Identifiers: Orphanet 35, MedGen C0268579, MONDO:0011628, OMIM 606054, HP:0003571.

Allele frequency attached by ClinVar (database versions not stated): gnomAD exomes 0.00003 and 0.00016; TOPMed 0.00003; gnomAD 0.00008 and 0.00013; ExAC 0.00011; 1000 Genomes Project 30x 0.00125; 1000 Genomes Project 0.00140.
gnomAD v4.1: 65 of 1,613,762 alleles (0.004%); highest among the groups gnomAD compares: East Asian, 0.13%; no homozygotes.

Submissions (3):

Labcorp Genetics (formerly Invitae), Labcorp
Classification: Likely benign for Propionic acidemia. Last evaluated: 2026-02-02. Review status: criteria provided, single submitter. Criteria: Invitae Variant Classification Sherloc (09022015). Collection method: clinical testing. Allele origin: germline.

Women's Health and Genetics/Laboratory Corporation of America, LabCorp
Classification: Likely benign. Last evaluated: 2021-08-20. Review status: criteria provided, single submitter. Criteria: LabCorp Variant Classification Summary - May 2015. Collection method: clinical testing. Allele origin: germline.
Comment: Variant summary: PCCA c.490A>G (p.Ile164Val) results in a conservative amino acid change located in the Biotin carboxylase-like, N-terminal domain (IPR005481) of the encoded protein sequence. Three of five in-silico tools predict a benign effect of the variant on protein function. The variant allele was found at a frequency of 0.00014 in 152164 control chromosomes, predominantly at a frequency of 0.0039 within the East Asian subpopulation in the gnomAD database (gnomAD v3, whole genomes). The observed variant frequency within East Asian control individuals in the gnomAD database is approximately 2 fold of the estimated maximal expected allele frequency for a pathogenic variant in PCCA causing Propionic Acidemia phenotype (0.0022), strongly suggesting that the variant is a benign polymorphism found primarily in populations of East Asian origin. To our knowledge, no occurrence of c.490A>G in individuals affected with Propionic Acidemia and no experimental evidence demonstrating its impact on protein function have been reported. Two ClinVar submitters (evaluation after 2014) cite the variant as uncertain significance and likely benign. Based on the evidence outlined above, the variant was classified as likely benign.

Natera, Inc.
Classification: Uncertain significance for Propionic acidemia. Last evaluated: 2020-04-17. Review status: no assertion criteria provided. Collection method: clinical testing. Allele origin: germline. Not counted in ClinVar's aggregate classification.

NM_000282.4(PCCA):c.490A>G (p.Ile164Val)

Gene: PCCA (propionyl-CoA carboxylase subunit alpha; plus strand). Cytogenetic location: 13q32.3.
Variant type: single nucleotide variant.
Coding change: c.490A>G on transcript NM_000282.4 (MANE Select); coding-DNA position 490, A replaced by G.
Protein change: p.Ile164Val; replaces isoleucine 164 with valine.
Molecular consequence: missense variant. On other transcripts: 5 prime UTR variant (3), non-coding transcript variant (5).
Genome position (GRCh38, 1-based): chr13:100,209,353, A>G. VCF-style: chr13-100209353-A-G. GRCh37 (hg19) VCF-style: chr13-100861607-A-G.
Other names: c.412A>G, p.Ile138Val (NM_001127692.3, NM_001352607.2, NM_001352608.2); c.490A>G, p.Ile164Val (NM_001178004.2, NM_001352605.2, NM_001352606.2 and 1 more transcripts); c.-377A>G (NM_001352610.2, NM_001352611.2, NM_001352612.2); short protein forms I164V, I138V.
Identifiers: ClinVar variation 743835 (VCV000743835.13), dbSNP rs539693612, ClinGen allele CA7033251.